The following is an entry in ClinVar:

NM_001164508.2(NEB):c.12106A>G (p.Ile4036Val)

Gene: NEB (nebulin; minus strand). Cytogenetic location: 2q23.3.
Variant type: single nucleotide variant.
Coding change: c.12106A>G on transcript NM_001164508.2 (MANE Select); coding-DNA position 12106, A replaced by G.
Protein change: p.Ile4036Val; replaces isoleucine 4036 with valine.
Molecular consequence: missense variant.
Genome position (GRCh38, 1-based): chr2:151,610,033, T>C on the plus strand (A>G on the coding strand, the complement: NEB is on the minus strand). VCF-style: chr2-151610033-T-C. GRCh37 (hg19) VCF-style: chr2-152466547-T-C.
Other names: c.12106A>G, p.Ile4036Val (NM_001164507.2, NM_001271208.2); c.11377A>G, p.Ile3793Val (NM_004543.5); short protein forms I3793V, I4036V.
Identifiers: ClinVar variation 1700307 (VCV001700307.3), dbSNP rs2153972081, ClinGen allele CA348777643.
Genomic context (GRCh38, chr2:151,610,033, plus strand): 5'-TTTTCCACTTTTGGAATTCCTTCTTGTACTCCCTTTCACTTTGAATTTTTCCTGCATGTA[T>C]GGCACACATAATCTTGGGATCATCTTCAATGCTCTGGGCTCCAATGTGGTGGCCTTTCTG-3'
Protein context (NP_001157980.2, residues 4026-4046): IEDDPKIMCA[Ile4036Val]HAGKIQSERE

ClinVar aggregate classification (germline): Uncertain significance. Review status: criteria provided, multiple submitters, no conflicts (2 of 4 stars). 2 submissions from 2 submitters: Uncertain significance (2). Last evaluated 2025-04-22.

Conditions:
Nemaline myopathy 2 (NEM2). Also called: Nemaline myopathy 2, autosomal recessive. Identifiers: MedGen C1850569, MONDO:0009725, OMIM 256030.

gnomAD v4.1: 2 of 1,613,930 alleles (0.00012%); highest among the groups gnomAD compares: East Asian, 0.0022%; no homozygotes.

Submissions (2):

Labcorp Genetics (formerly Invitae), Labcorp
Classification: Uncertain significance for Nemaline myopathy 2. Last evaluated: 2025-04-22. Review status: criteria provided, single submitter. Criteria: Invitae Variant Classification Sherloc (09022015). Collection method: clinical testing. Allele origin: germline.
Comment: This sequence change replaces isoleucine, which is neutral and non-polar, with valine, which is neutral and non-polar, at codon 4036 of the NEB protein (p.Ile4036Val). This variant is not present in population databases (gnomAD no frequency). This variant has not been reported in the literature in individuals affected with NEB-related conditions. ClinVar contains an entry for this variant (Variation ID: 1700307). Experimental studies and prediction algorithms are not available or were not evaluated, and the functional significance of this variant is currently unknown. In summary, the available evidence is currently insufficient to determine the role of this variant in disease. Therefore, it has been classified as a Variant of Uncertain Significance.

GeneDx
Classification: Uncertain significance. Last evaluated: 2022-02-01. Review status: criteria provided, single submitter. Criteria: GeneDx Variant Classification Process June 2021. Collection method: clinical testing. Allele origin: germline. Affected: yes.
Comment: Not observed at significant frequency in large population cohorts (gnomAD); In silico analysis supports that this missense variant does not alter protein structure/function; Has not been previously published as pathogenic or benign to our knowledge